The following is an entry in ClinVar:

NM_021969.3(NR0B2):c.144G>A (p.Gln48=)

Genes: NR0B2 (nuclear receptor subfamily 0 group B member 2; minus strand), NUDC (nuclear distribution C, dynein complex regulator; plus strand). Cytogenetic location: 1p36.11.
Variant type: single nucleotide variant.
Coding change: c.144G>A on transcript NM_021969.3 (MANE Select); coding-DNA position 144, G replaced by A.
Protein change: p.Gln48=; no amino-acid change (glutamine 48 retained).
Molecular consequence: synonymous variant.
Genome position (GRCh38, 1-based): chr1:26,913,797, C>T on the plus strand (G>A on the coding strand, the complement: NR0B2 is on the minus strand). VCF-style: chr1-26913797-C-T. GRCh37 (hg19) VCF-style: chr1-27240288-C-T.
Identifiers: ClinVar variation 3055151 (VCV003055151.2), dbSNP rs1326095324, ClinGen allele CA416794037.
Genomic context (GRCh38, chr1:26,913,797, plus strand): 5'-GGCCACTGTCTTGGCCAGAACATCCAAGGCCTCCCGGCAGGTGCGATGAGGTGCACATAG[C>T]TGGACGGGCCGGTGCTGCCTACATAGGCAGCGGCTACGGGGTCGGGGGACAGCCTTGAGG-3'
Protein context (NP_068804.1, residues 38-58): RCLCRQHRPV[Gln48=]LCAPHRTCRE

ClinVar aggregate classification (germline): Likely benign (0 of 4 stars; one submission).

Conditions:
NR0B2-related disorder. Also called: NR0B2-related condition.

Allele frequency attached by ClinVar (database versions not stated): gnomAD exomes 0.00003.
gnomAD v4.1: 61 of 1,536,244 alleles (0.004%); highest among the groups gnomAD compares: Non-Finnish European, 0.0041%; no homozygotes.

Submission:

PreventionGenetics, part of Exact Sciences
Classification: Likely benign for NR0B2-related condition. Last evaluated: 2023-10-25. Review status: no assertion criteria provided. Collection method: clinical testing. Allele origin: germline.
Comment: This variant is classified as likely benign based on ACMG/AMP sequence variant interpretation guidelines (Richards et al. 2015 PMID: 25741868, with internal and published modifications).